The following is an entry in ClinVar:

ClinVar aggregate classification (germline): Benign/Likely benign. Review status: criteria provided, multiple submitters, no conflicts (2 of 4 stars). 11 submissions from 10 submitters: Benign (10); Likely benign (1). Last evaluated 2026-01-31.

Conditions:
King Denborough syndrome (KDS). Identifiers: MedGen C1840365, MONDO:0020485, OMIM 619542.
Congenital multicore myopathy with external ophthalmoplegia (CMYO1B). Also called: Congenital myopathy 1B, autosomal recessive; Minicore myopathy; Minicore myopathy with external ophthalmoplegia; MULTIMINICORE DISEASE WITH EXTERNAL OPHTHALMOPLEGIA; MULTICORE MYOPATHY. Identifiers: Orphanet 598, Orphanet 98905, MedGen C1850674, MONDO:0009712, OMIM 255320, HP:0003789.
Malignant hyperthermia, susceptibility to, 1 (MHS1). Also called: RYR1-Related Malignant Hyperthermia Susceptibility; Malignant hyperthermia suceptibility 1; Anesthesia related hyperthermia; Malignant hyperpyrexia; Fulminating hyperpyrexia; Pharmacogenic myopathy. Identifiers: Orphanet 423, MedGen C2930980, MONDO:0007783, OMIM 145600.
Congenital myopathy with fiber type disproportion. Also called: Congenital fiber-type disproportion myopathy; Congenital fiber-type disproportion. Identifiers: Orphanet 2020, MedGen C0546264, MONDO:0009711. Inheritance: all.
Central core myopathy (CMYO1A). Also called: CONGENITAL MYOPATHY 1A, AUTOSOMAL DOMINANT, WITH SUSCEPTIBILITY TO MALIGNANT HYPERTHERMIA; Central core disease; Myopathy, central fibrillar. Identifiers: Orphanet 597, MedGen C5830701, MONDO:0007294, OMIM 117000.
RYR1-related disorder. Also called: RYR1-related condition; RYR1-related disorders. Identifiers: MedGen CN239331.

Allele frequency attached by ClinVar (database versions not stated): gnomAD exomes 0.00183; ExAC 0.00502; gnomAD 0.00745 and 0.00793; ESP Exome Variant Server 0.00779; TOPMed 0.00818; 1000 Genomes Project 0.00938; 1000 Genomes Project 30x 0.00999.
gnomAD v4.1: 2,352 of 1,559,908 alleles (0.15%); highest among the groups gnomAD compares: African/African-American, 2.7%; 33 homozygotes.

Submissions (11):

Labcorp Genetics (formerly Invitae), Labcorp
Classification: Benign for RYR1-related disorder. Last evaluated: 2026-01-31. Review status: criteria provided, single submitter. Criteria: Invitae Variant Classification Sherloc (09022015). Collection method: clinical testing. Allele origin: germline.

Mayo Clinic Laboratories, Mayo Clinic
Classification: Benign. Last evaluated: 2024-02-29. Review status: criteria provided, single submitter. Criteria: ACMG Guidelines, 2015. Collection method: clinical testing. Allele origin: germline. Observed: 5 variant alleles.
Comment: BA1, BS2, BP4, BP7

Color Diagnostics, LLC DBA Color Health
Classification: Benign for Malignant hyperthermia, susceptibility to, 1. Last evaluated: 2022-10-03. Review status: criteria provided, single submitter. Criteria: ACMG Guidelines, 2015. Collection method: clinical testing. Allele origin: germline.

Fulgent Genetics
Classification: Benign for Central core myopathy; Malignant hyperthermia, susceptibility to, 1; Congenital myopathy 4A, autosomal dominant; Congenital multicore myopathy with external ophthalmoplegia; King Denborough syndrome. Last evaluated: 2021-07-23. Review status: criteria provided, single submitter. Criteria: ACMG Guidelines, 2015. Collection method: clinical testing. Allele origin: unknown.

PreventionGenetics, part of Exact Sciences
Classification: Benign. Last evaluated: 2018-03-13. Review status: criteria provided, single submitter. Criteria: ACMG Guidelines, 2015. Collection method: clinical testing. Allele origin: germline.

Illumina Laboratory Services, Illumina
Classification: Benign for Malignant hyperthermia, susceptibility to, 1. Last evaluated: 2018-01-13. Review status: criteria provided, single submitter. Criteria: ICSL Variant Classification Criteria 13 December 2019. Collection method: clinical testing. Allele origin: germline.
Comment: This variant was observed in the ICSL laboratory as part of a predisposition screen in an ostensibly healthy population. It had not been previously curated by ICSL or reported in the Human Gene Mutation Database (HGMD: prior to June 1st, 2018), and was therefore a candidate for classification through an automated scoring system. Utilizing variant allele frequency, disease prevalence and penetrance estimates, and inheritance mode, an automated score was calculated to assess if this variant is too frequent to cause the disease. Based on the score and internal cut-off values, a variant classified as benign is not then subjected to further curation. The score for this variant resulted in a classification of benign for this disease.

Illumina Laboratory Services, Illumina
Classification: Benign for Congenital multicore myopathy with external ophthalmoplegia. Last evaluated: 2018-01-13. Review status: criteria provided, single submitter. Criteria: ICSL Variant Classification Criteria 13 December 2019. Collection method: clinical testing. Allele origin: germline.
Comment: the same text as in the submission from Illumina Laboratory Services, Illumina above.

GeneDx
Classification: Benign. Last evaluated: 2016-07-20. Review status: criteria provided, single submitter. Criteria: GeneDx Variant Classification (06012015). Collection method: clinical testing. Allele origin: germline. Affected: yes.
Comment: This variant is considered likely benign or benign based on one or more of the following criteria: it is a conservative change, it occurs at a poorly conserved position in the protein, it is predicted to be benign by multiple in silico algorithms, and/or has population frequency not consistent with disease.

Eurofins Ntd Llc (ga)
Classification: Benign. Last evaluated: 2013-03-12. Review status: criteria provided, single submitter. Criteria: EGL Classification Definitions 2015. Collection method: clinical testing. Allele origin: germline. Observed: 3 variant alleles, 3 heterozygotes.

Genetic Services Laboratory, University of Chicago
Classification: Benign. Last evaluated: 2013-02-08. Review status: criteria provided, single submitter. Criteria: ACMG Guidelines, 2007. Collection method: clinical testing. Allele origin: germline. Inheritance: Autosomal unknown.

Breakthrough Genomics
Classification: Likely benign. Review status: criteria provided, single submitter. Criteria: ACMG Guidelines, 2015. Collection method: not provided. Allele origin: germline. Inheritance: Autosomal recessive inheritance. Affected: yes.

NM_000540.3(RYR1):c.12741C>T (p.Ala4247=)

Gene: RYR1 (ryanodine receptor 1; plus strand). Cytogenetic location: 19q13.2.
Variant type: single nucleotide variant.
Coding change: c.12741C>T on transcript NM_000540.3 (MANE Select); coding-DNA position 12741, C replaced by T.
Protein change: p.Ala4247=; no amino-acid change (alanine 4247 retained).
Molecular consequence: synonymous variant.
Genome position (GRCh38, 1-based): chr19:38,565,075, C>T. VCF-style: chr19-38565075-C-T. GRCh37 (hg19) VCF-style: chr19-39055715-C-T.
Other names: p.Ala4247=; c.12726C>T, p.Ala4242= (NM_001042723.2).
Identifiers: ClinVar variation 93247 (VCV000093247.30), dbSNP rs80039127, ClinGen allele CA024003.